The following is an entry in ClinVar:

NM_005876.5(SPEG):c.7457C>A (p.Pro2486Gln)

Genes: ASIC4-AS1 (ASIC4 antisense RNA 1; minus strand), SPEG (striated muscle enriched protein kinase; plus strand). Cytogenetic location: 2q35.
Variant type: single nucleotide variant.
Coding change: c.7457C>A on transcript NM_005876.5 (MANE Select); coding-DNA position 7457, C replaced by A.
Protein change: p.Pro2486Gln; replaces proline 2486 with glutamine.
Molecular consequence: missense variant.
Genome position (GRCh38, 1-based): chr2:219,484,920, C>A. VCF-style: chr2-219484920-C-A. GRCh37 (hg19) VCF-style: chr2-220349642-C-A.
Other names: c.7457C>A (NM_005876.4); short protein forms P2486Q.
Identifiers: ClinVar variation 1499346 (VCV001499346.8), dbSNP rs372980452, ClinGen allele CA2127203.
Genomic context (GRCh38, chr2:219,484,920, plus strand): 5'-GCCGATTGCAGCGCAGTGGCAGCAGCGAGGACTCGGGGGGCGCGTCGGGCCGCAGCACGC[C>A]GCTGTTCGGACGGCTTCGCAGGGCCACGTCCGAGGGCGAGAGTCTGCGGCGCCTTGGCCT-3'
Protein context (NP_005867.3, residues 2476-2496): DSGGASGRST[Pro2486Gln]LFGRLRRATS

ClinVar aggregate classification (germline): Uncertain significance. Review status: criteria provided, multiple submitters, no conflicts (2 of 4 stars). 3 submissions from 3 submitters: Uncertain significance (3). Last evaluated 2025-12-23.

Conditions:
Inborn genetic diseases. Identifiers: MedGen C0950123, MeSH D030342.

Allele frequency attached by ClinVar (database versions not stated): ExAC 0.00010; gnomAD 0.00027 and 0.00031; ESP Exome Variant Server 0.00039; 1000 Genomes Project 0.00040; 1000 Genomes Project 30x 0.00047.
gnomAD v4.1: 131 of 1,527,914 alleles (0.0086%); highest among the groups gnomAD compares: African/African-American, 0.097%; no homozygotes.

Submissions (3):

Labcorp Genetics (formerly Invitae), Labcorp
Classification: Uncertain significance. Last evaluated: 2025-12-23. Review status: criteria provided, single submitter. Criteria: Invitae Variant Classification Sherloc (09022015). Collection method: clinical testing. Allele origin: germline.
Comment: This sequence change replaces proline, which is neutral and non-polar, with glutamine, which is neutral and polar, at codon 2486 of the SPEG protein (p.Pro2486Gln). This variant is present in population databases (rs372980452, gnomAD 0.08%). This variant has not been reported in the literature in individuals affected with SPEG-related conditions. ClinVar contains an entry for this variant (Variation ID: 1499346). An algorithm developed to predict the effect of missense changes on protein structure and function (PolyPhen-2) suggests that this variant is likely to be disruptive. In summary, the available evidence is currently insufficient to determine the role of this variant in disease. Therefore, it has been classified as a Variant of Uncertain Significance.

Ambry Genetics
Classification: Uncertain significance for Inborn genetic diseases. Last evaluated: 2025-08-20. Review status: criteria provided, single submitter. Criteria: Ambry Variant Classification Scheme 2023. Collection method: clinical testing. Allele origin: germline.

Blueprint Genetics
Classification: Uncertain significance. Last evaluated: 2024-11-13. Review status: criteria provided, single submitter. Criteria: ACMG Guidelines, 2015. Collection method: clinical testing. Allele origin: germline.